The following is an entry in ClinVar:

NM_138711.6(PPARG):c.545_550dup (p.Arg182_Met183dup)

Genes: PPARG (peroxisome proliferator activated receptor gamma; plus strand), LOC114803475 (PPARG eExon liver enhancer; plus strand). Cytogenetic location: 3p25.2.
Variant type: Duplication.
Coding change: c.545_550dup on transcript NM_138711.6 (MANE Select); coding-DNA positions 545 to 550, 6 bases duplicated (GGATGC; older notation c.545_550dupGGATGC).
Protein change: p.Arg182_Met183dup.
Molecular consequence: inframe insertion. On other transcripts: intron variant (1).
Genome position (GRCh38, 1-based): chr3:12,405,897-12,405,902, GGATGC duplicated; duplicating any 6 consecutive bases within chr3:12,405,895-12,405,902 gives the same sequence; the c. name uses the placement nearest the transcript's 3' end. VCF-style (leftmost placement, unchanged base first): chr3-12405894-G-GGCGGAT. GRCh37 (hg19) VCF-style: chr3-12447393-G-GGCGGAT.
Other names: c.545_550dup, p.Arg182_Met183dup (NM_001330615.4, NM_001354666.3, NM_001354667.3 and 6 more transcripts); c.635_640dup, p.Arg212_Met213dup (NM_001354668.2, NM_001374265.1, NM_015869.5); c.551_556dup, p.Arg184_Met185dup (NM_001354670.2, NM_001374266.1); c.103-10807_103-10802dup (NM_001354669.2).
Identifiers: ClinVar variation 1327159 (VCV001327159.2), dbSNP rs2125252562, ClinGen allele CA2573052065.

ClinVar aggregate classification (germline): Uncertain significance (1 of 4 stars; one submission).

Submission:

GeneDx
Classification: Uncertain significance. Last evaluated: 2021-09-21. Review status: criteria provided, single submitter. Criteria: GeneDx Variant Classification Process June 2021. Collection method: clinical testing. Allele origin: germline. Affected: yes.
Comment: Not observed at significant frequency in large population cohorts (Lek et al., 2016); In-frame insertion of 2 amino acids in a non-repeat region; Has not been previously published as pathogenic or benign to our knowledge